The following is an entry in ClinVar:

NM_000048.4(ASL):c.718+14A>T

Gene: ASL (argininosuccinate lyase; plus strand). Cytogenetic location: 7q11.21.
Variant type: single nucleotide variant.
Coding change: c.718+14A>T on transcript NM_000048.4 (MANE Select); 14 bases into the intron after coding-DNA position 718, A replaced by T.
Molecular consequence: intron variant.
Genome position (GRCh38, 1-based): chr7:66,087,805, A>T. VCF-style: chr7-66087805-A-T. GRCh37 (hg19) VCF-style: chr7-65552792-A-T.
Other names: c.718+14A>T (NM_001024944.2, NM_001024943.2); c.640+14A>T (NM_001024946.2).
Identifiers: ClinVar variation 254742 (VCV000254742.19), dbSNP rs117035302, ClinGen allele CA4277106.
Genomic context (GRCh38, chr7:66,087,805, plus strand): 5'-CATCACTCTCAACAGCATGGATGCCACTAGTGAGCGGGACTTTGTGGGTGAGTCCTGGGG[A>T]GCCAGTCCCCTGCCCTGTGCCTCACTTTAGTCCTTCAGCCCAGCTTCTCTCCAGTTTCCT-3'

ClinVar aggregate classification (germline): Benign. Review status: criteria provided, multiple submitters, no conflicts (2 of 4 stars). 7 submissions from 7 submitters: Benign (5). 2 of the submissions do not count toward it. Last evaluated 2026-02-04.

Conditions:
Argininosuccinate lyase deficiency. Also called: ARGININOSUCCINIC ACID LYASE DEFICIENCY; ASL DEFICIENCY; Argininosuccinic aciduria. Identifiers: Orphanet 23, MedGen C0268547, MONDO:0008815, OMIM 207900, HP:0025630.

Allele frequency attached by ClinVar (database versions not stated): TOPMed 0.01319; gnomAD 0.01554 and 0.01658; ESP Exome Variant Server 0.00592; gnomAD exomes 0.01050 and 0.02260; ExAC 0.02106; 1000 Genomes Project 30x 0.02920; 1000 Genomes Project 0.03195.
gnomAD v4.1: 18,253 of 1,614,052 alleles (1.1%); highest among the groups gnomAD compares: East Asian, 10%; 508 homozygotes.

Submissions (7):

Labcorp Genetics (formerly Invitae), Labcorp
Classification: Benign for Argininosuccinate lyase deficiency. Last evaluated: 2026-02-04. Review status: criteria provided, single submitter. Criteria: Invitae Variant Classification Sherloc (09022015). Collection method: clinical testing. Allele origin: germline.

Illumina Laboratory Services, Illumina
Classification: Benign for Argininosuccinate lyase deficiency. Last evaluated: 2018-01-13. Review status: criteria provided, single submitter. Criteria: ICSL Variant Classification Criteria 13 December 2019. Collection method: clinical testing. Allele origin: germline.
Comment: This variant was observed in the ICSL laboratory as part of a predisposition screen in an ostensibly healthy population. It had not been previously curated by ICSL or reported in the Human Gene Mutation Database (HGMD: prior to June 1st, 2018), and was therefore a candidate for classification through an automated scoring system. Utilizing variant allele frequency, disease prevalence and penetrance estimates, and inheritance mode, an automated score was calculated to assess if this variant is too frequent to cause the disease. Based on the score and internal cut-off values, a variant classified as benign is not then subjected to further curation. The score for this variant resulted in a classification of benign for this disease.

GeneDx
Classification: Benign. Last evaluated: 2017-11-17. Review status: criteria provided, single submitter. Criteria: GeneDx Variant Classification (06012015). Collection method: clinical testing. Allele origin: germline. Affected: yes.
Comment: This variant is considered likely benign or benign based on one or more of the following criteria: it is a conservative change, it occurs at a poorly conserved position in the protein, it is predicted to be benign by multiple in silico algorithms, and/or has population frequency not consistent with disease.

Breakthrough Genomics
Classification: Benign. Review status: criteria provided, single submitter. Criteria: ACMG Guidelines, 2015. Collection method: not provided. Allele origin: germline. Inheritance: Autosomal recessive inheritance. Affected: yes.

PreventionGenetics, part of Exact Sciences
Classification: Benign. Review status: criteria provided, single submitter. Criteria: ACMG Guidelines, 2015. Collection method: clinical testing. Allele origin: germline.

Clinical Genetics, Academic Medical Center
Classification: Benign. Review status: no assertion criteria provided. Collection method: clinical testing. Allele origin: germline. Affected: yes. Study: VKGL Data-share Consensus. Not counted in ClinVar's aggregate classification.

Joint Genome Diagnostic Labs from Nijmegen and Maastricht, Radboudumc and MUMC+
Classification: Likely benign. Review status: no assertion criteria provided. Collection method: clinical testing. Allele origin: germline. Affected: yes. Study: VKGL Data-share Consensus. Not counted in ClinVar's aggregate classification.